The following is an entry in ClinVar:

NM_130839.5(UBE3A):c.368C>G (p.Thr123Ser)

Genes: SNHG14 (small nucleolar RNA host gene 14; plus strand), UBE3A (ubiquitin protein ligase E3A; minus strand). Cytogenetic location: 15q11.2.
Variant type: single nucleotide variant.
Coding change: c.368C>G on transcript NM_130839.5 (MANE Select); coding-DNA position 368, C replaced by G.
Protein change: p.Thr123Ser; replaces threonine 123 with serine.
Molecular consequence: missense variant. On other transcripts: non-coding transcript variant (1), intron variant (2).
Genome position (GRCh38, 1-based): chr15:25,371,806, G>C on the plus strand (C>G on the coding strand, the complement: UBE3A is on the minus strand). VCF-style: chr15-25371806-G-C. GRCh37 (hg19) VCF-style: chr15-25616953-G-C.
Other names: c.377C>G, p.Thr126Ser (NM_000462.5); c.368C>G, p.Thr123Ser (NM_001354505.1, NM_001354538.2, NM_001354545.2); c.308C>G, p.Thr103Ser (NM_001354506.2, NM_001354507.2, NM_001354508.2 and 17 more transcripts); c.191C>G, p.Thr64Ser (NM_001354546.2); c.301+3659C>G (NM_001354551.2); c.361+3659C>G (NM_001354550.2); short protein forms T103S, T64S, T123S, T126S.
Identifiers: ClinVar variation 860708 (VCV000860708.8), dbSNP rs2080325563, ClinGen allele CA391356018.
Genomic context (GRCh38, chr15:25,371,806, plus strand): 5'-TAATCCTCTCTTTCTCTACATAATTCAAGAATTTCATATACCTTCTCTTCTGTTAAGTAA[G>C]TCACATCTAGAAAATCAGAGGAAAAAAGAGAACATTTATTTTCATAATATGTATGTTTAC-3'
Protein context (NP_570854.1, residues 113-133): KGARIDFKDV[Thr123Ser]YLTEEKVYEI

ClinVar aggregate classification (germline): Uncertain significance (1 of 4 stars; one submission).

Conditions:
Angelman syndrome (AS). Also called: HAPPY PUPPET SYNDROME. Identifiers: Orphanet 72, MedGen C0162635, MONDO:0007113, OMIM 105830. Disease mechanism: loss of function. Inheritance: imprinting disorder, AS is caused by disruption of maternally imprinted UBE3A located within the 15q11.2-q13 Angelman syndrome/Prader-Willi syndrome (AS/PWS) region..

Submission:

Labcorp Genetics (formerly Invitae), Labcorp
Classification: Uncertain significance for Angelman syndrome. Last evaluated: 2019-06-20. Review status: criteria provided, single submitter. Criteria: Invitae Variant Classification Sherloc (09022015). Collection method: clinical testing. Allele origin: germline.
Comment: In summary, the available evidence is currently insufficient to determine the role of this variant in disease. Therefore, it has been classified as a Variant of Uncertain Significance. Algorithms developed to predict the effect of sequence changes on RNA splicing suggest that this variant may create or strengthen a splice site, but this prediction has not been confirmed by published transcriptional studies. Algorithms developed to predict the effect of missense changes on protein structure and function are either unavailable or do not agree on the potential impact of this missense change (SIFT: Not Available; PolyPhen-2: "Benign"; Align-GVGD: Not Available). This variant has not been reported in the literature in individuals with UBE3A-related conditions. This variant is not present in population databases (ExAC no frequency). This sequence change replaces threonine with serine at codon 103 of the UBE3A protein (p.Thr103Ser). The threonine residue is weakly conserved and there is a small physicochemical difference between threonine and serine.